The following is an entry in ClinVar:

ClinVar aggregate classification (germline): Uncertain significance (1 of 4 stars; one submission).

Allele frequency attached by ClinVar (database versions not stated): gnomAD exomes 0.00001; ExAC 0.00003.
gnomAD v4.1: 8 of 1,604,176 alleles (0.0005%); highest among the groups gnomAD compares: East Asian, 0.018%; no homozygotes.

Submission:

Labcorp Genetics (formerly Invitae), Labcorp
Classification: Uncertain significance. Last evaluated: 2024-01-07. Review status: criteria provided, single submitter. Criteria: Invitae Variant Classification Sherloc (09022015). Collection method: clinical testing. Allele origin: germline.
Comment: This sequence change replaces lysine, which is basic and polar, with glutamine, which is neutral and polar, at codon 3140 of the DCHS1 protein (p.Lys3140Gln). This variant is present in population databases (rs760382120, gnomAD 0.01%). This variant has not been reported in the literature in individuals affected with DCHS1-related conditions. Advanced modeling of protein sequence and biophysical properties (such as structural, functional, and spatial information, amino acid conservation, physicochemical variation, residue mobility, and thermodynamic stability) performed at Invitae indicates that this missense variant is not expected to disrupt DCHS1 protein function with a negative predictive value of 80%. In summary, the available evidence is currently insufficient to determine the role of this variant in disease. Therefore, it has been classified as a Variant of Uncertain Significance.

NM_003737.4(DCHS1):c.9418A>C (p.Lys3140Gln)

Gene: DCHS1 (dachsous cadherin-related 1; minus strand). Cytogenetic location: 11p15.4.
Variant type: single nucleotide variant.
Coding change: c.9418A>C on transcript NM_003737.4 (MANE Select); coding-DNA position 9418, A replaced by C.
Protein change: p.Lys3140Gln; replaces lysine 3140 with glutamine.
Molecular consequence: missense variant.
Genome position (GRCh38, 1-based): chr11:6,622,258, T>G on the plus strand (A>C on the coding strand, the complement: DCHS1 is on the minus strand). VCF-style: chr11-6622258-T-G. GRCh37 (hg19) VCF-style: chr11-6643489-T-G.
Other names: short protein forms K3140Q.
Identifiers: ClinVar variation 2799811 (VCV002799811.3), dbSNP rs760382120, ClinGen allele CA5859260.